The following is an entry in ClinVar:

ClinVar aggregate classification (germline): Benign/Likely benign. Review status: criteria provided, single submitter (1 of 4 stars). 3 submissions from 1 submitter: Benign (2); Likely benign (1). Last evaluated 2018-01-13.

Conditions:
Myhre syndrome (MYHRS). Also called: LARYNGOTRACHEAL STENOSIS, ARTHROPATHY, PROGNATHISM, AND SHORT STATURE; LAPS SYNDROME. Identifiers: Orphanet 2588, MedGen C0796081, MONDO:0007688, OMIM 139210.
Generalized juvenile polyposis/juvenile polyposis coli. Also called: Juvenile polyposis coli. Identifiers: Orphanet 329971, MedGen C1868081, MONDO:0008276.
Juvenile polyposis/hereditary hemorrhagic telangiectasia syndrome (JPHT). Also called: JP/HHT SYNDROME; JUVENILE POLYPOSIS WITH HEREDITARY HEMORRHAGIC TELANGIECTASIA; POLYPOSIS, GENERALIZED JUVENILE, WITH PULMONARY ARTERIOVENOUS MALFORMATION; TELANGIECTASIA, HEREDITARY HEMORRHAGIC, WITH JUVENILE POLYPOSIS COLI; Juvenile Polyposis Syndrome / Hereditary Hemorrhagic Telangiectasia (JPS/HHT). Identifiers: Orphanet 2929, MedGen C1832942, MONDO:0008278, OMIM 175050.

Allele frequency attached by ClinVar (database versions not stated): TOPMed 0.00020; gnomAD 0.00021 and 0.00025; gnomAD exomes 0.00030; 1000 Genomes Project 0.00100; 1000 Genomes Project 30x 0.00156.
gnomAD v4.1: 60 of 229,102 alleles (0.026%); highest among the groups gnomAD compares: East Asian, 0.14%; no homozygotes.

Submissions (3):

Illumina Laboratory Services, Illumina
Classification: Benign for Juvenile polyposis syndrome. Last evaluated: 2018-01-13. Review status: criteria provided, single submitter. Criteria: ICSL Variant Classification Criteria 13 December 2019. Collection method: clinical testing. Allele origin: germline.
Comment: This variant was observed in the ICSL laboratory as part of a predisposition screen in an ostensibly healthy population. It had not been previously curated by ICSL or reported in the Human Gene Mutation Database (HGMD: prior to June 1st, 2018), and was therefore a candidate for classification through an automated scoring system. Utilizing variant allele frequency, disease prevalence and penetrance estimates, and inheritance mode, an automated score was calculated to assess if this variant is too frequent to cause the disease. Based on the score and internal cut-off values, a variant classified as benign is not then subjected to further curation. The score for this variant resulted in a classification of benign for this disease.

Illumina Laboratory Services, Illumina
Classification: Benign for Myhre syndrome. Last evaluated: 2018-01-13. Review status: criteria provided, single submitter. Criteria: ICSL Variant Classification Criteria 13 December 2019. Collection method: clinical testing. Allele origin: germline.
Comment: the same text as in the submission from Illumina Laboratory Services, Illumina above.

Illumina Laboratory Services, Illumina
Classification: Likely benign for Juvenile polyposis/hereditary hemorrhagic telangiectasia syndrome. Last evaluated: 2018-01-13. Review status: criteria provided, single submitter. Criteria: ICSL Variant Classification Criteria 13 December 2019. Collection method: clinical testing. Allele origin: germline.
Comment: This variant was observed in the ICSL laboratory as part of a predisposition screen in an ostensibly healthy population. It had not been previously curated by ICSL or reported in the Human Gene Mutation Database (HGMD: prior to June 1st, 2018), and was therefore a candidate for classification through an automated scoring system. Utilizing variant allele frequency, disease prevalence and penetrance estimates, and inheritance mode, an automated score was calculated to assess if this variant is too frequent to cause the disease. Based on the score and internal cut-off values, a variant classified as likely benign is not then subjected to further curation. The score for this variant resulted in a classification of likely benign for this disease.

NM_005359.6(SMAD4):c.*5801T>C

Gene: SMAD4 (SMAD family member 4; plus strand). Cytogenetic location: 18q21.2.
Variant type: single nucleotide variant.
Coding change: c.*5801T>C on transcript NM_005359.6 (MANE Select); 5801 bases downstream of the stop codon, T replaced by C.
Molecular consequence: 3 prime UTR variant.
Genome position (GRCh38, 1-based): chr18:51,084,268, T>C. VCF-style: chr18-51084268-T-C. GRCh37 (hg19) VCF-style: chr18-48610638-T-C.
Identifiers: ClinVar variation 327207 (VCV000327207.5), dbSNP rs577928234, ClinGen allele CA10647816.